The following is an entry in ClinVar:

NM_001080467.3(MYO5B):c.2947G>C (p.Glu983Gln)

Gene: MYO5B (myosin VB; minus strand). Cytogenetic location: 18q21.1.
Variant type: single nucleotide variant.
Coding change: c.2947G>C on transcript NM_001080467.3 (MANE Select); coding-DNA position 2947, G replaced by C.
Protein change: p.Glu983Gln; replaces glutamic acid 983 with glutamine.
Molecular consequence: missense variant.
Genome position (GRCh38, 1-based): chr18:49,895,039, C>G on the plus strand (G>C on the coding strand, the complement: MYO5B is on the minus strand). VCF-style: chr18-49895039-C-G. GRCh37 (hg19) VCF-style: chr18-47421409-C-G.
Other names: short protein forms E983Q.
Identifiers: ClinVar variation 327034 (VCV000327034.13), dbSNP rs371584389, ClinGen allele CA8960890.

ClinVar aggregate classification (germline): Uncertain significance. Review status: criteria provided, multiple submitters, no conflicts (2 of 4 stars). 5 submissions from 5 submitters: Uncertain significance (5). Last evaluated 2025-06-12.

Conditions:
Inborn genetic diseases. Identifiers: MedGen C0950123, MeSH D030342.
Congenital microvillous atrophy (DIAR2). Also called: Microvillus inclusion disease; MICROVILLUS ATROPHY, CONGENITAL; CONGENITAL FAMILIAL PROTRACTED DIARRHEA WITH ENTEROCYTE BRUSH-BORDER ABNORMALITIES; DAVIDSON DISEASE; Diarrhea 2 with microvillus atrophy, with or without cholestasis. Identifiers: Orphanet 2290, MedGen C0341306, MONDO:0009635, OMIM 251850.
MYO5B-related disorder. Also called: MYO5B-related condition.

Allele frequency attached by ClinVar (database versions not stated): ESP Exome Variant Server 0.00008; ExAC 0.00011; gnomAD 0.00013 and 0.00014; gnomAD exomes 0.00013 and 0.00024; TOPMed 0.00019.

Submissions (5):

PreventionGenetics, part of Exact Sciences
Classification: Uncertain significance for MYO5B-related condition. Last evaluated: 2025-06-12. Review status: criteria provided, single submitter. Criteria: ACMG Guidelines, 2015. Collection method: clinical testing. Allele origin: germline.
Comment: The MYO5B c.2947G>C variant is predicted to result in the amino acid substitution p.Glu983Gln. To our knowledge, this variant has not been reported in the literature. This variant is reported in 0.023% of alleles in individuals of European (Non-Finnish) descent in gnomAD. At this time, the clinical significance of this variant is uncertain due to the absence of conclusive functional and genetic evidence.

Blueprint Genetics
Classification: Uncertain significance. Last evaluated: 2024-11-01. Review status: criteria provided, single submitter. Criteria: ACMG Guidelines, 2015. Collection method: clinical testing. Allele origin: germline.

Labcorp Genetics (formerly Invitae), Labcorp
Classification: Uncertain significance. Last evaluated: 2022-10-17. Review status: criteria provided, single submitter. Criteria: Invitae Variant Classification Sherloc (09022015). Collection method: clinical testing. Allele origin: germline.
Comment: This sequence change replaces glutamic acid, which is acidic and polar, with glutamine, which is neutral and polar, at codon 983 of the MYO5B protein (p.Glu983Gln). This variant is present in population databases (rs371584389, gnomAD 0.02%). This variant has not been reported in the literature in individuals affected with MYO5B-related conditions. ClinVar contains an entry for this variant (Variation ID: 327034). Advanced modeling of protein sequence and biophysical properties (such as structural, functional, and spatial information, amino acid conservation, physicochemical variation, residue mobility, and thermodynamic stability) performed at Invitae indicates that this missense variant is not expected to disrupt MYO5B protein function. In summary, the available evidence is currently insufficient to determine the role of this variant in disease. Therefore, it has been classified as a Variant of Uncertain Significance.

Ambry Genetics
Classification: Uncertain significance for Inborn genetic diseases. Last evaluated: 2021-08-23. Review status: criteria provided, single submitter. Criteria: Ambry Variant Classification Scheme 2023. Collection method: clinical testing. Allele origin: germline.

Illumina Laboratory Services, Illumina
Classification: Uncertain significance for Congenital microvillous atrophy. Last evaluated: 2018-01-13. Review status: criteria provided, single submitter. Criteria: ICSL Variant Classification Criteria 13 December 2019. Collection method: clinical testing. Allele origin: germline.